The following is an entry in ClinVar:

NM_001369.3(DNAH5):c.4854_4855delinsT (p.Thr1619fs)

Genes: DNAH5 (dynein axonemal heavy chain 5; minus strand), LOC126807318 (MED14-independent group 3 enhancer GRCh37_chr5:13858976-13860175; plus strand). Cytogenetic location: 5p15.2.
Variant type: Indel.
Coding change: c.4854_4855delinsT on transcript NM_001369.3 (MANE Select); coding-DNA positions 4854 to 4855, AA replaced by T.
Protein change: p.Thr1619fs; shifts the reading frame from threonine 1619.
Molecular consequence: frameshift variant.
Genome position (GRCh38, 1-based): chr5:13,859,547-13,859,548, TT replaced by A on the plus strand (AA replaced by T on the coding strand, the reverse complement: DNAH5 is on the minus strand). VCF-style: chr5-13859547-TT-A. GRCh37 (hg19) VCF-style: chr5-13859656-TT-A.
Other names: short protein forms T1619fs.
Identifiers: ClinVar variation 5010498 (VCV005010498.1).

ClinVar aggregate classification (germline): Pathogenic (1 of 4 stars; one submission).

Conditions:
Primary ciliary dyskinesia 3. Identifiers: Orphanet 244, MedGen C1837618, MONDO:0012085, OMIM 608644.

Submission:

Myriad Genetics, Inc.
Classification: Pathogenic for Primary ciliary dyskinesia 3. Last evaluated: 2024-05-14. Review status: criteria provided, single submitter. Criteria: Myriad Autosomal Dominant, Autosomal Recessive and X-Linked Classification Criteria (2023). Collection method: clinical testing. Allele origin: unknown.
Comment: NM_001369.2(DNAH5):c.4854_4855delAAinsT(T1619Qfs*8) is expected to be pathogenic in the context of primary ciliary dyskinesia, DNAH5-related. This variant is predicted to lead to an abnormal or absent protein product due to the creation of a premature termination codon in DNAH5, a gene where loss-of-function variants are known to be pathogenic. Please note: this variant was assessed in the context of healthy population screening.